The following is an entry in ClinVar:

NM_000384.3(APOB):c.9812G>A (p.Gly3271Asp)

Gene: APOB (apolipoprotein B; minus strand). Cytogenetic location: 2p24.1.
Variant type: single nucleotide variant.
Coding change: c.9812G>A on transcript NM_000384.3 (MANE Select); coding-DNA position 9812, G replaced by A.
Protein change: p.Gly3271Asp; replaces glycine 3271 with aspartic acid.
Molecular consequence: missense variant.
Genome position (GRCh38, 1-based): chr2:21,007,056, C>T on the plus strand (G>A on the coding strand, the complement: APOB is on the minus strand). VCF-style: chr2-21007056-C-T. GRCh37 (hg19) VCF-style: chr2-21229928-C-T.
Other names: short protein forms G3271D.
Identifiers: ClinVar variation 4789224 (VCV004789224.1).
Genomic context (GRCh38, chr2:21,007,056, plus strand): 5'-CGGACGTCAGAACCTAGGATGGAGAAACTAGGCATGCTGACTGCTTTTGGGAACACATAG[C>T]CGAATGCCGACATCTCTATGGTGAATGGAGACACTTCAACATTGACAACTGGAACAGTGT-3'
Protein context (NP_000375.3, residues 3261-3281): SPFTIEMSAF[Gly3271Asp]YVFPKAVSMP

ClinVar aggregate classification (germline): Uncertain significance (1 of 4 stars; one submission).

Conditions:
Familial hypobetalipoproteinemia 1. Also called: APOB-Related Familial Hypobetalipoproteinemia; Hypobetalipoproteinemia, normotriglyceridemic; Acanthocytosis with hypobetalipoproteinemia. Identifiers: MedGen C4551990, MONDO:0014252, OMIM 615558.
Hypercholesterolemia, autosomal dominant, type B (FHCL2). Also called: APOB-Related Familial Hypercholesterolemia, Autosomal Dominant; Familial hypercholesterolemia 2; Familial Hypercholesterolemia Type B; APOLIPOPROTEIN B-100, FAMILIAL DEFECTIVE; APOLIPOPROTEIN B-100, FAMILIAL LIGAND-DEFECTIVE; HYPERCHOLESTEROLEMIA, FAMILIAL, DUE TO LIGAND-DEFECTIVE APOLIPOPROTEIN B. Identifiers: MedGen C1704417, MONDO:0007751, OMIM 144010.

gnomAD v4.1: 5 of 1,613,986 alleles (0.00031%); highest among the groups gnomAD compares: East Asian, 0.011%; no homozygotes.

Submission:

Labcorp Genetics (formerly Invitae), Labcorp
Classification: Uncertain significance for Familial hypobetalipoproteinemia 1; Hypercholesterolemia, autosomal dominant, type B. Last evaluated: 2025-10-13. Review status: criteria provided, single submitter. Criteria: Invitae Variant Classification Sherloc (09022015). Collection method: clinical testing. Allele origin: germline.
Comment: This sequence change replaces glycine, which is neutral and non-polar, with aspartic acid, which is acidic and polar, at codon 3271 of the APOB protein (p.Gly3271Asp). This variant is not present in population databases (gnomAD no frequency). This variant has not been reported in the literature in individuals affected with APOB-related conditions. Invitae Evidence Modeling of protein sequence and biophysical properties (such as structural, functional, and spatial information, amino acid conservation, physicochemical variation, residue mobility, and thermodynamic stability) indicates that this missense variant is not expected to disrupt APOB protein function with a negative predictive value of 95%. In summary, the available evidence is currently insufficient to determine the role of this variant in disease. Therefore, it has been classified as a Variant of Uncertain Significance.